The following is an entry in ClinVar:

ClinVar aggregate classification (germline): Conflicting classifications of pathogenicity. Review status: criteria provided, conflicting classifications (1 of 4 stars). 2 submissions from 2 submitters: Likely pathogenic (1); Uncertain significance (1). Last evaluated 2025-01-22.

Conditions:
Hereditary nonpolyposis colorectal neoplasms. Identifiers: MedGen C0009405, MeSH D003123.
Hereditary cancer-predisposing syndrome. Also called: Tumor predisposition; Hereditary neoplastic syndrome; Neoplastic Syndromes, Hereditary; Hereditary Cancer Syndrome. Identifiers: Orphanet 140162, MedGen C0027672, MeSH D009386, MONDO:0015356.

Submissions (2):

Ambry Genetics
Classification: Likely pathogenic for Hereditary cancer-predisposing syndrome. Last evaluated: 2025-01-22. Review status: criteria provided, single submitter. Criteria: Ambry Variant Classification Scheme 2023. Collection method: clinical testing. Allele origin: germline.
Comment: The c.4001+3A>C intronic variant results from an A to C substitution 3 nucleotides after coding exon 9 in the MSH6 gene. This nucleotide position is conserved on limited sequence alignment. In silico splice site analysis predicts that this alteration will weaken the native splice donor site. RNA studies have demonstrated that this alteration results in abnormal splicing in the set of samples tested (Ambry internal data). This variant is considered to be rare based on population cohorts in the Genome Aggregation Database (gnomAD). Based on the majority of available evidence to date, this variant is likely to be pathogenic.

Labcorp Genetics (formerly Invitae), Labcorp
Classification: Uncertain significance for Hereditary nonpolyposis colorectal neoplasms. Last evaluated: 2024-06-15. Review status: criteria provided, single submitter. Criteria: Invitae Variant Classification Sherloc (09022015). Collection method: clinical testing. Allele origin: germline.
Comment: This sequence change falls in intron 9 of the MSH6 gene. It does not directly change the encoded amino acid sequence of the MSH6 protein. It affects a nucleotide within the consensus splice site. This variant is not present in population databases (gnomAD no frequency). This variant has not been reported in the literature in individuals affected with MSH6-related conditions. ClinVar contains an entry for this variant (Variation ID: 859958). Variants that disrupt the consensus splice site are a relatively common cause of aberrant splicing (PMID: 17576681, 9536098). Algorithms developed to predict the effect of sequence changes on RNA splicing suggest that this variant may disrupt the consensus splice site. In summary, the available evidence is currently insufficient to determine the role of this variant in disease. Therefore, it has been classified as a Variant of Uncertain Significance.

Literature cited by the submitters: PubMed 17576681 (cited by Labcorp Genetics (formerly Invitae), Labcorp); PubMed 9536098 (cited by Labcorp Genetics (formerly Invitae), Labcorp).

NM_000179.3(MSH6):c.4001+3A>C

Gene: MSH6 (mutS homolog 6; plus strand). Cytogenetic location: 2p16.3.
Variant type: single nucleotide variant.
Coding change: c.4001+3A>C on transcript NM_000179.3 (MANE Select); 3 bases into the intron after coding-DNA position 4001, A replaced by C.
Molecular consequence: intron variant.
Genome position (GRCh38, 1-based): chr2:47,806,654, A>C. VCF-style: chr2-47806654-A-C. GRCh37 (hg19) VCF-style: chr2-48033793-A-C.
Other names: c.3095+3A>C (NM_001281493.2, NM_001281494.2); c.3611+3A>C (NM_001281492.2).
Identifiers: ClinVar variation 859958 (VCV000859958.10), dbSNP rs1670156041, ClinGen allele CA916080294.